The following is an entry in ClinVar:

NM_006231.4(POLE):c.3697C>T (p.Arg1233Ter)

Gene: POLE (DNA polymerase epsilon, catalytic subunit; minus strand). Cytogenetic location: 12q24.33.
Variant type: single nucleotide variant.
Coding change: c.3697C>T on transcript NM_006231.4 (MANE Select); coding-DNA position 3697, C replaced by T.
Protein change: p.Arg1233Ter; replaces arginine 1233 with a stop codon.
Molecular consequence: nonsense.
Genome position (GRCh38, 1-based): chr12:132,649,775, G>A on the plus strand (C>T on the coding strand, the complement: POLE is on the minus strand). VCF-style: chr12-132649775-G-A. GRCh37 (hg19) VCF-style: chr12-133226361-G-A.
Other names: short protein forms R1233*.
Identifiers: ClinVar variation 824084 (VCV000824084.19), dbSNP rs745750549, ClinGen allele CA387386514.

ClinVar aggregate classification (germline): Conflicting classifications of pathogenicity. Review status: criteria provided, conflicting classifications (1 of 4 stars). 4 submissions from 4 submitters: Pathogenic (1); Likely pathogenic (2); Uncertain significance (1). Last evaluated 2026-04-16.

Conditions:
Hereditary cancer-predisposing syndrome. Also called: Tumor predisposition; Hereditary neoplastic syndrome; Neoplastic Syndromes, Hereditary; Hereditary Cancer Syndrome. Identifiers: Orphanet 140162, MedGen C0027672, MeSH D009386, MONDO:0015356.

Allele frequency attached by ClinVar (database versions not stated): TOPMed 0.00001.
gnomAD v4.1: 15 of 1,614,098 alleles (0.00093%); highest among the groups gnomAD compares: African/African-American, 0.0027%; no homozygotes.

Submissions (4):

GeneDx
Classification: Likely pathogenic. Last evaluated: 2026-04-16. Review status: criteria provided, single submitter. Criteria: GeneDx Variant Classification Process June 2021. Collection method: clinical testing. Allele origin: germline.
Comment: Nonsense variant predicted to result in protein truncation or nonsense mediated decay in a gene for which loss of function is a known mechanism of disease; Not observed at significant frequency in large population cohorts (gnomAD); Has not been previously published as pathogenic or benign to our knowledge

Ambry Genetics
Classification: Uncertain significance for Hereditary cancer-predisposing syndrome. Last evaluated: 2026-01-08. Review status: criteria provided, single submitter. Criteria: Ambry Variant Classification Scheme 2023. Collection method: clinical testing. Allele origin: germline.
Comment: The p.R1233* variant (also known as c.3697C>T), located in coding exon 30 of the POLE gene, results from a C to T substitution at nucleotide position 3697. This changes the amino acid from an arginine to a stop codon within coding exon 30. This alteration is expected to result in loss of function by premature protein truncation or nonsense-mediated mRNA decay. Although biallelic loss of function of POLE has been associated with autosomal recessive POLE deficiency, haploinsufficiency of POLE has not been established as a mechanism of disease for POLE-related polymerase proofreading-associated polyposis (PPAP) and POLE-related CMMRD-like syndrome. Based on the supporting evidence, this variant is expected to be causative of POLE deficiency when present along with a second pathogenic variant on the other allele; however, its clinical significance for PPAP and POLE-related CMMRD-like syndrome is unclear.

Center for Genomic Medicine, Rigshospitalet, Copenhagen University Hospital
Classification: Likely pathogenic. Last evaluated: 2025-12-29. Review status: criteria provided, single submitter. Criteria: ACMG Guidelines, 2015. Collection method: clinical testing. Allele origin: germline.
Comment: Classification criteria: PVS1, PM2

Labcorp Genetics (formerly Invitae), Labcorp
Classification: Pathogenic. Last evaluated: 2025-12-15. Review status: criteria provided, single submitter. Criteria: Invitae Variant Classification Sherloc (09022015). Collection method: clinical testing. Allele origin: germline.
Comment: This sequence change creates a premature translational stop signal (p.Arg1233*) in the POLE gene. It is expected to result in an absent or disrupted protein product. Loss-of-function variants in POLE are known to be pathogenic (PMID: 23230001, 25948378, 30503519). This variant is present in population databases (no rsID available, gnomAD 0.003%). This variant has not been reported in the literature in individuals affected with POLE-related conditions. ClinVar contains an entry for this variant (Variation ID: 824084). For these reasons, this variant has been classified as Pathogenic.

Literature cited by the submitters: PubMed 32792570 (cited by Center for Genomic Medicine, Rigshospitalet, Copenhagen University Hospital); PubMed 23230001 (cited by Labcorp Genetics (formerly Invitae), Labcorp); PubMed 25948378 (cited by Labcorp Genetics (formerly Invitae), Labcorp); PubMed 30503519 (cited by Labcorp Genetics (formerly Invitae), Labcorp).